The following is an entry in ClinVar:

ClinVar aggregate classification (germline): Uncertain significance (1 of 4 stars; one submission).

Conditions:
Holoprosencephaly 3 (HPE3). Identifiers: Orphanet 2162, MedGen C1840529, MONDO:0007733, OMIM 142945.

Allele frequency attached by ClinVar (database versions not stated): gnomAD 0.00003; TOPMed 0.00006.
gnomAD v4.1: 4 of 152,160 alleles (0.0026%); no homozygotes.

Submission:

Labcorp Genetics (formerly Invitae), Labcorp
Classification: Uncertain significance for Holoprosencephaly 3. Last evaluated: 2023-10-22. Review status: criteria provided, single submitter. Criteria: Invitae Variant Classification Sherloc (09022015). Collection method: clinical testing. Allele origin: germline.
Comment: This variant occurs in a non-coding region of the SHH gene. It does not change the encoded amino acid sequence of the SHH protein. This variant is not present in population databases (gnomAD no frequency). This variant has not been reported in the literature in individuals affected with SHH-related conditions. Experimental studies and prediction algorithms are not available or were not evaluated, and the functional significance of this variant is currently unknown. Experimental studies and prediction algorithms are not available or were not evaluated, and the effect of this variant on mRNA splicing is currently unknown. In summary, the available evidence is currently insufficient to determine the role of this variant in disease. Therefore, it has been classified as a Variant of Uncertain Significance.

NC_000007.14:g.156769301C>A

Genes: LMBR1 (limb development membrane protein 1; minus strand), SHH (sonic hedgehog signaling molecule; minus strand). Cytogenetic location: 7q36.3.
Variant type: single nucleotide variant.
Molecular consequence: intron variant (on NM_022458.4).
Genome position: GRCh38 VCF-style: chr7-156769301-C-A. GRCh37 (hg19) VCF-style: chr7-156561995-C-A.
Other names: c.361-5506G>T (NM_001363412.2); c.145-5506G>T (NM_001350954.2); c.424-5506G>T (NM_001363410.2, NM_022458.4, NM_001363409.2 and 1 more transcripts); c.-33-5506G>T (NM_001350958.2, NM_001350956.2, NM_001350955.2 and 1 more transcripts); c.55-5506G>T (NM_001350957.2, NM_001363411.2).
Identifiers: ClinVar variation 2868217 (VCV002868217.3), dbSNP rs959278681, ClinGen allele CA169820956.